The following is an entry in ClinVar:

ClinVar aggregate classification (germline): Uncertain significance (1 of 4 stars; one submission).

Allele frequency attached by ClinVar (database versions not stated): gnomAD exomes below 0.00001; gnomAD 0.00001; TOPMed 0.00002.
gnomAD v4.1: 3 of 1,612,658 alleles (0.00019%); highest among the groups gnomAD compares: Admixed American, 0.0033%; no homozygotes.

Submission:

Labcorp Genetics (formerly Invitae), Labcorp
Classification: Uncertain significance. Last evaluated: 2023-12-11. Review status: criteria provided, single submitter. Criteria: Invitae Variant Classification Sherloc (09022015). Collection method: clinical testing. Allele origin: germline.
Comment: This sequence change replaces arginine, which is basic and polar, with glycine, which is neutral and non-polar, at codon 2039 of the ASPM protein (p.Arg2039Gly). This variant is not present in population databases (gnomAD no frequency). This variant has not been reported in the literature in individuals affected with ASPM-related conditions. ClinVar contains an entry for this variant (Variation ID: 1904875). Advanced modeling of protein sequence and biophysical properties (such as structural, functional, and spatial information, amino acid conservation, physicochemical variation, residue mobility, and thermodynamic stability) performed at Invitae indicates that this missense variant is not expected to disrupt ASPM protein function with a negative predictive value of 80%. In summary, the available evidence is currently insufficient to determine the role of this variant in disease. Therefore, it has been classified as a Variant of Uncertain Significance.

NM_018136.5(ASPM):c.6115A>G (p.Arg2039Gly)

Gene: ASPM (assembly factor for spindle microtubules; minus strand). Cytogenetic location: 1q31.3.
Variant type: single nucleotide variant.
Coding change: c.6115A>G on transcript NM_018136.5 (MANE Select); coding-DNA position 6115, A replaced by G.
Protein change: p.Arg2039Gly; replaces arginine 2039 with glycine.
Molecular consequence: missense variant. On other transcripts: intron variant (1).
Genome position (GRCh38, 1-based): chr1:197,103,136, T>C on the plus strand (A>G on the coding strand, the complement: ASPM is on the minus strand). VCF-style: chr1-197103136-T-C. GRCh37 (hg19) VCF-style: chr1-197072266-T-C.
Other names: c.4066-6972A>G (NM_001206846.2); short protein forms R2039G.
Identifiers: ClinVar variation 1904875 (VCV001904875.5), dbSNP rs1223762173, ClinGen allele CA344023640.